The following is an entry in ClinVar:

NM_004482.4(GALNT3):c.803dup (p.Thr269fs)

Gene: GALNT3 (polypeptide N-acetylgalactosaminyltransferase 3; minus strand). Cytogenetic location: 2q24.3.
Variant type: Duplication.
Coding change: c.803dup on transcript NM_004482.4 (MANE Select); coding-DNA position 803, one base duplicated (C; older notation c.803dupC).
Protein change: p.Thr269fs; shifts the reading frame from threonine 269.
Molecular consequence: frameshift variant.
Genome position (GRCh38, 1-based): chr2:165,761,940, G duplicated on the plus strand (C on the coding strand, the reverse complement: GALNT3 is on the minus strand). VCF-style (leftmost placement, unchanged base first): chr2-165761939-T-TG. GRCh37 (hg19) VCF-style: chr2-166618449-T-TG.
Other names: short protein forms T269fs.
Identifiers: ClinVar variation 7800 (VCV000007800.8), dbSNP rs766750282, ClinGen allele CA212881.
Genomic context (GRCh38, chr2:165,761,939, plus strand): 5'-AACCATATCCATACATATATACTTACAGTGAGCATCTAAAAATGTGAGCGTTTCAGCTGT[T>TG]GCGACTGTTGCTCCTAGCAACCGAGCAGTGATCAGACCTTTTCTTTCTCTTTGTCTGACT-3'

ClinVar aggregate classification (germline): Pathogenic/Likely pathogenic. Review status: criteria provided, multiple submitters, no conflicts (2 of 4 stars). 4 submissions from 4 submitters: Pathogenic (2); Likely pathogenic (1). 1 of the submissions does not count toward it. Last evaluated 2024-09-06.

Conditions:
GALNT3-related disorder. Also called: GALNT3-related condition.
Tumoral calcinosis, hyperphosphatemic, familial, 1. Also called: LIPOCALCINOGRANULOMATOSIS; MORBUS TEUTSCHLAENDER; CORTICAL HYPEROSTOSIS WITH HYPERPHOSPHATEMIA; CALCINOSIS, TUMORAL, WITH HYPERPHOSPHATEMIA; HYPEROSTOSIS WITH HYPERPHOSPHATEMIA; HYPEROSTOSIS-HYPERPHOSPHATEMIA SYNDROME. Identifiers: Orphanet 53715, MedGen C4692564, MONDO:0100252, OMIM 211900.

Allele frequency attached by ClinVar (database versions not stated): gnomAD 0.00001; gnomAD exomes 0.00001 and 0.00002; ESP Exome Variant Server 0.00008; ExAC 0.00002; TOPMed below 0.00001.

Submissions (4):

Labcorp Genetics (formerly Invitae), Labcorp
Classification: Pathogenic. Last evaluated: 2024-09-06. Review status: criteria provided, single submitter. Criteria: Invitae Variant Classification Sherloc (09022015). Collection method: clinical testing. Allele origin: germline.
Comment: This sequence change creates a premature translational stop signal (p.Thr269Asnfs*3) in the GALNT3 gene. It is expected to result in an absent or disrupted protein product. Loss-of-function variants in GALNT3 are known to be pathogenic (PMID: 15133511, 20358599). This variant is present in population databases (rs766750282, gnomAD 0.004%). This premature translational stop signal has been observed in individual(s) with clinical features of GALT1-related disorders (PMID: 17311862). ClinVar contains an entry for this variant (Variation ID: 7800). For these reasons, this variant has been classified as Pathogenic.

Fulgent Genetics
Classification: Pathogenic for Tumoral calcinosis, hyperphosphatemic, familial, 1. Last evaluated: 2024-06-18. Review status: criteria provided, single submitter. Criteria: ACMG Guidelines, 2015. Collection method: clinical testing. Allele origin: germline.

Blueprint Genetics
Classification: Likely pathogenic for GALNT3-related disorders. Last evaluated: 2023-03-09. Review status: criteria provided, single submitter. Criteria: ACMG Guidelines, 2015. Collection method: clinical testing. Allele origin: germline. Affected: yes. Observed: 5 variant alleles.

OMIM
Classification: Pathogenic for TUMORAL CALCINOSIS, HYPERPHOSPHATEMIC, FAMILIAL, 1. Last evaluated: 2007-05-01. Review status: no assertion criteria provided. Collection method: literature only. Allele origin: germline. Not counted in ClinVar's aggregate classification.

Literature cited by the submitters: PubMed 15133511 (cited by Labcorp Genetics (formerly Invitae), Labcorp); PubMed 20358599 (cited by Labcorp Genetics (formerly Invitae), Labcorp); PubMed 17311862 (cited by Labcorp Genetics (formerly Invitae), Labcorp and OMIM).